The following is an entry in ClinVar:

ClinVar aggregate classification (germline): Likely benign. Review status: criteria provided, multiple submitters, no conflicts (2 of 4 stars). 2 submissions from 2 submitters: Likely benign (2). Last evaluated 2026-01-01.

Conditions:
Epidermolysis bullosa simplex, Ogna type (EBS5A). Also called: Pidermolysis bullosa simplex 5A, Ogna type; EPIDERMOLYSIS BULLOSA SIMPLEX 5A, OGNA TYPE. Identifiers: Orphanet 79401, MedGen C0432317, MONDO:0007555, OMIM 131950.
Epidermolysis bullosa simplex 5B, with muscular dystrophy (EBS5B). Also called: Epidermolysis bullosa simplex with muscular dystrophy; EPIDERMOLYSIS BULLOSA SIMPLEX AND LIMB-GIRDLE MUSCULAR DYSTROPHY. Identifiers: Orphanet 257, MedGen C2931072, MONDO:0009181, OMIM 226670.
Epidermolysis bullosa simplex 5C, with pyloric atresia (EBS5C). Also called: PLEC-Related Epidermolysis Bullosa with Pyloric Atresia; Epidermolysis bullosa simplex with pyloric atresia; PLEC1-Related Epidermolysis Bullosa with Pyloric Atresia. Identifiers: Orphanet 158684, MedGen C2677349, MONDO:0012807, OMIM 612138.
Autosomal recessive limb-girdle muscular dystrophy type 2Q (LGMDR17). Also called: MUSCULAR DYSTROPHY, LIMB-GIRDLE, AUTOSOMAL RECESSIVE 17. Identifiers: Orphanet 254361, MedGen C3150989, MONDO:0013390, OMIM 613723.
Epidermolysis bullosa simplex with nail dystrophy (EBS5D). Identifiers: MedGen C4225309, MONDO:0014661, OMIM 616487.

Allele frequency attached by ClinVar (database versions not stated): gnomAD 0.00003; TOPMed 0.00006; ESP Exome Variant Server 0.00016; ExAC 0.00020.
gnomAD v4.1: 161 of 1,613,310 alleles (0.01%); highest among the groups gnomAD compares: South Asian, 0.078%; no homozygotes.

Submissions (2):

CeGaT Center for Human Genetics Tuebingen
Classification: Likely benign. Last evaluated: 2026-01-01. Review status: criteria provided, single submitter. Criteria: CeGaT Center For Human Genetics Tuebingen Variant Classification Criteria Version 2. Collection method: clinical testing. Allele origin: germline. Affected: yes. Observed: 1 variant allele.
Comment: PLEC: BP4, BP7

Labcorp Genetics (formerly Invitae), Labcorp
Classification: Likely benign for Autosomal recessive limb-girdle muscular dystrophy type 2Q; Epidermolysis bullosa simplex, Ogna type; Epidermolysis bullosa simplex with nail dystrophy; Epidermolysis bullosa simplex 5C, with pyloric atresia; Epidermolysis bullosa simplex 5B, with muscular dystrophy. Last evaluated: 2024-06-23. Review status: criteria provided, single submitter. Criteria: Invitae Variant Classification Sherloc (09022015). Collection method: clinical testing. Allele origin: germline.

NM_201384.3(PLEC):c.10407C>T (p.Ile3469=)

Gene: PLEC (plectin; minus strand). Cytogenetic location: 8q24.3.
Variant type: single nucleotide variant.
Coding change: c.10407C>T on transcript NM_201384.3 (MANE Select); coding-DNA position 10407, C replaced by T.
Protein change: p.Ile3469=; no amino-acid change (isoleucine 3469 retained).
Molecular consequence: synonymous variant.
Genome position (GRCh38, 1-based): chr8:143,919,414, G>A on the plus strand (C>T on the coding strand, the complement: PLEC is on the minus strand). VCF-style: chr8-143919414-G-A. GRCh37 (hg19) VCF-style: chr8-144993582-G-A.
Other names: c.10488C>T, p.Ile3496= (NM_000445.5); c.10365C>T, p.Ile3455= (NM_201378.4); c.10341C>T, p.Ile3447= (NM_201379.3); c.10818C>T, p.Ile3606= (NM_201380.4); c.10311C>T, p.Ile3437= (NM_201381.3); c.10407C>T, p.Ile3469= (NM_201382.4); c.10419C>T, p.Ile3473= (NM_201383.3).
Identifiers: ClinVar variation 702369 (VCV000702369.15), dbSNP rs369578286, ClinGen allele CA4924663.